The following is an entry in ClinVar:

NM_000361.3(THBD):c.1462G>A (p.Gly488Ser)

Gene: THBD (thrombomodulin; minus strand). Cytogenetic location: 20p11.21.
Variant type: single nucleotide variant.
Coding change: c.1462G>A on transcript NM_000361.3 (MANE Select); coding-DNA position 1462, G replaced by A.
Protein change: p.Gly488Ser; replaces glycine 488 with serine.
Molecular consequence: missense variant.
Genome position (GRCh38, 1-based): chr20:23,048,043, C>T on the plus strand (G>A on the coding strand, the complement: THBD is on the minus strand). VCF-style: chr20-23048043-C-T. GRCh37 (hg19) VCF-style: chr20-23028680-C-T.
Other names: short protein forms G488S.
Identifiers: ClinVar variation 4280581 (VCV004280581.1).
Genomic context (GRCh38, chr20:23,048,043, plus strand): 5'-GAGGAGTCAAGGTGGAGCCGGGCGTCGGGCTGGGCGGGGGCTCGCCAGAGCCGCTGTCGC[C>T]ACCGTCCACCTTGCCGGAGTCACAGTCGGTGCCAATGTGGCGGGCAAGGGCCGAGTCGGG-3'
Protein context (NP_000352.1, residues 478-498): TDCDSGKVDG[Gly488Ser]DSGSGEPPPS

ClinVar aggregate classification (germline): Uncertain significance (1 of 4 stars; one submission).

Conditions:
Thrombomodulin-related bleeding disorder (THPH12). Also called: Thrombophilia due to thrombomodulin defect. Identifiers: Orphanet 436169, MedGen C3280976, MONDO:0013775, OMIM 614486.

Submission:

Genomenon, Inc
Classification: Uncertain significance for Thrombomodulin-related bleeding disorder. Last evaluated: 2025-09-22. Review status: criteria provided, single submitter. Criteria: Genomenon Sequence Variant Interpretation Standards - Updated. Collection method: curation. Allele origin: germline. Affected: no.
Comment: THBD p.Gly488Ser (c.1462G>A) is a missense variant that changes the amino acid at residue 488 from Glycine to Serine. Functional studies have been reported; however, the significance of the findings remain unclear (PMID:25772620). It is absent or not present at a significant frequency in gnomAD. In silico models agree that this variant is not damaging. In conclusion, we classify THBD p.Gly488Ser (c.1462G>A) as a variant of unknown significance.

Literature cited by the submitters: PubMed 25772620.